The following is an entry in ClinVar:

ClinVar aggregate classification (germline): Uncertain significance (1 of 4 stars; one submission).

Submission:

Labcorp Genetics (formerly Invitae), Labcorp
Classification: Uncertain significance. Last evaluated: 2023-09-05. Review status: criteria provided, single submitter. Criteria: Invitae Variant Classification Sherloc (09022015). Collection method: clinical testing. Allele origin: unknown.
Comment: This variant results in a copy number gain of the genomic region encompassing exon(s) 28-48 of the DOCK8 gene. This region includes the termination codon of the gene. This copy number gain extends beyond the assayed region for this gene and therefore may encompass additional genes. As the precise location of this event is unknown, it may be in tandem or it may be located elsewhere in the genome. This variant has not been reported in the literature in individuals affected with DOCK8-related conditions. Experimental studies and prediction algorithms are not available or were not evaluated, and the functional significance of this variant is currently unknown. In summary, the available evidence is currently insufficient to determine the role of this variant in disease. Therefore, it has been classified as a Variant of Uncertain Significance.

NC_000009.11:g.(?_406910)_(464219_?)dup

Gene: DOCK8 (dedicator of cytokinesis 8; plus strand). Cytogenetic location: 9p24.3.
Variant type: Duplication.
Identifiers: ClinVar variation 3245225 (VCV003245225.1).